The following is an entry in ClinVar:

NM_001458.5(FLNC):c.2554A>T (p.Ile852Phe)

Gene: FLNC (filamin C; plus strand). Cytogenetic location: 7q32.1.
Variant type: single nucleotide variant.
Coding change: c.2554A>T on transcript NM_001458.5 (MANE Select); coding-DNA position 2554, A replaced by T.
Protein change: p.Ile852Phe; replaces isoleucine 852 with phenylalanine.
Molecular consequence: missense variant.
Genome position (GRCh38, 1-based): chr7:128,843,232, A>T. VCF-style: chr7-128843232-A-T. GRCh37 (hg19) VCF-style: chr7-128483286-A-T.
Other names: c.2554A>T, p.Ile852Phe (NM_001127487.2); short protein forms I852F.
Identifiers: ClinVar variation 3235170 (VCV003235170.1), dbSNP rs2536633139.

ClinVar aggregate classification (germline): Uncertain significance (1 of 4 stars; one submission).

Conditions:
Hypertrophic cardiomyopathy 26. Also called: Cardiomyopathy, familial hypertrophic, 26. Identifiers: Orphanet 75249, MedGen C4310749, MONDO:0014883, OMIM 617047.

Submission:

MVZ Medizinische Genetik Mainz
Classification: Uncertain significance for Hypertrophic cardiomyopathy 26. Last evaluated: 2022-06-27. Review status: criteria provided, single submitter. Criteria: UK Practice Guidelines For Variant Classification V4 01 2020. Collection method: clinical testing. Allele origin: germline. Inheritance: Autosomal dominant inheritance. Affected: yes. Observed: 1 variant allele.
Comment: ACMG Criteria: PM2_SUP, PP3 (ACMG Version 4)